The following is an entry in ClinVar:

NM_024675.4(PALB2):c.3432C>T (p.Leu1144=)

Gene: PALB2 (partner and localizer of BRCA2; minus strand). Cytogenetic location: 16p12.2.
Variant type: single nucleotide variant.
Coding change: c.3432C>T on transcript NM_024675.4 (MANE Select); coding-DNA position 3432, C replaced by T.
Protein change: p.Leu1144=; no amino-acid change (leucine 1144 retained).
Molecular consequence: synonymous variant.
Genome position (GRCh38, 1-based): chr16:23,603,588, G>A on the plus strand (C>T on the coding strand, the complement: PALB2 is on the minus strand). VCF-style: chr16-23603588-G-A. GRCh37 (hg19) VCF-style: chr16-23614909-G-A.
Identifiers: ClinVar variation 415976 (VCV000415976.34), dbSNP rs748363227, ClinGen allele CA7963339.

ClinVar aggregate classification (germline): Benign/Likely benign. Review status: criteria provided, multiple submitters, no conflicts (2 of 4 stars). 14 submissions from 14 submitters: Benign (1); Likely benign (11). 2 of the submissions do not count toward it. Last evaluated 2026-01-19.

Conditions:
Hereditary breast ovarian cancer syndrome. Also called: Hereditary breast and ovarian cancer syndrome; Hereditary breast and/or ovarian cancer syndrome; BRCA1- and BRCA2-Associated Hereditary Breast and Ovarian Cancer; Hereditary breast and ovarian cancer; Hereditary breast and ovarian cancer syndrome (HBOC); Breast and ovarian cancer. Identifiers: Orphanet 145, MedGen C0677776, MeSH D061325, MONDO:0003582. Disease mechanism: loss of function.
PALB2-related disorder. Also called: PALB2-related disorders; PALB2-related condition.
Hereditary cancer-predisposing syndrome. Also called: Neoplastic Syndromes, Hereditary; Tumor predisposition; Hereditary Cancer Syndrome; Hereditary neoplastic syndrome. Identifiers: Orphanet 140162, MedGen C0027672, MeSH D009386, MONDO:0015356.
Pancreatic cancer, susceptibility to, 3. Identifiers: Orphanet 1333, MedGen C3150547, MONDO:0013236, OMIM 613348.
Fanconi anemia complementation group N. Also called: PALB2-Related Fanconi Anemia. Identifiers: Orphanet 84, MedGen C1835817, MONDO:0012565, OMIM 610832. Disease mechanism: loss of function.
Familial cancer of breast. Also called: BREAST CANCER, FAMILIAL; hereditary breast carcinoma; Hereditary breast cancer. Identifiers: Orphanet 227535, MedGen C0346153, MONDO:0016419, OMIM 114480. Disease mechanism: loss of function.

Allele frequency attached by ClinVar (database versions not stated): gnomAD 0.00002; TOPMed 0.00002.
gnomAD v4.1: 26 of 1,613,974 alleles (0.0016%); highest among the groups gnomAD compares: Admixed American, 0.005%; no homozygotes.

Submissions (14):

Labcorp Genetics (formerly Invitae), Labcorp
Classification: Likely benign for Familial cancer of breast. Last evaluated: 2026-01-19. Review status: criteria provided, single submitter. Criteria: Invitae Variant Classification Sherloc (09022015). Collection method: clinical testing. Allele origin: germline.

Ambry Genetics
Classification: Likely benign for Hereditary cancer-predisposing syndrome. Last evaluated: 2025-04-03. Review status: criteria provided, single submitter. Criteria: Ambry Variant Classification Scheme 2023. Collection method: clinical testing. Allele origin: germline.

Quest Diagnostics Nichols Institute San Juan Capistrano
Classification: Likely benign. Last evaluated: 2025-03-11. Review status: criteria provided, single submitter. Criteria: Quest Diagnostics criteria. Collection method: clinical testing. Allele origin: unknown.

Center for Genomic Medicine, Rigshospitalet, Copenhagen University Hospital
Classification: Likely benign. Last evaluated: 2025-03-04. Review status: criteria provided, single submitter. Criteria: ACMG Guidelines, 2015. Collection method: clinical testing. Allele origin: germline.

Myriad Genetics, Inc.
Classification: Benign for Familial cancer of breast. Last evaluated: 2025-01-22. Review status: criteria provided, single submitter. Criteria: Myriad Autosomal Dominant, Autosomal Recessive and X-Linked Classification Criteria (2023). Collection method: clinical testing. Allele origin: unknown.
Comment: This variant is considered benign. This variant is a silent/synonymous amino acid change and it is not expected to impact splicing.

Blueprint Genetics
Classification: Likely benign. Last evaluated: 2024-04-24. Review status: criteria provided, single submitter. Criteria: ACMG Guidelines, 2015. Collection method: clinical testing. Allele origin: germline.

Department of Pathology and Laboratory Medicine, Sinai Health System
Classification: Likely benign for Hereditary breast ovarian cancer syndrome. Last evaluated: 2022-09-29. Review status: criteria provided, single submitter. Criteria: ACMG Guidelines, 2015. Collection method: clinical testing. Allele origin: germline. Affected: yes.

Fulgent Genetics
Classification: Likely benign for Familial cancer of breast; Fanconi anemia complementation group N; Pancreatic cancer, susceptibility to, 3. Last evaluated: 2022-05-24. Review status: criteria provided, single submitter. Criteria: ACMG Guidelines, 2015. Collection method: clinical testing. Allele origin: unknown.

Women's Health and Genetics/Laboratory Corporation of America, LabCorp
Classification: Likely benign. Last evaluated: 2021-12-12. Review status: criteria provided, single submitter. Criteria: LabCorp Variant Classification Summary - May 2015. Collection method: clinical testing. Allele origin: germline.

Sema4
Classification: Likely benign for Hereditary cancer-predisposing syndrome. Last evaluated: 2021-11-16. Review status: criteria provided, single submitter. Criteria: Sema4 Curation Guidelines. Collection method: curation. Allele origin: germline.

GeneDx
Classification: Likely benign. Last evaluated: 2020-03-17. Review status: criteria provided, single submitter. Criteria: GeneDx Variant Classification Process June 2021. Collection method: clinical testing. Allele origin: germline. Affected: yes.
Comment: This variant is associated with the following publications: (PMID: 30287823)

Color Diagnostics, LLC DBA Color Health
Classification: Likely benign for Hereditary cancer-predisposing syndrome. Last evaluated: 2017-08-14. Review status: criteria provided, single submitter. Criteria: ACMG Guidelines, 2015. Collection method: clinical testing. Allele origin: germline.

PreventionGenetics, part of Exact Sciences
Classification: Likely benign for PALB2-related condition. Last evaluated: 2024-02-02. Review status: no assertion criteria provided. Collection method: clinical testing. Allele origin: germline. Not counted in ClinVar's aggregate classification.
Comment: This variant is classified as likely benign based on ACMG/AMP sequence variant interpretation guidelines (Richards et al. 2015 PMID: 25741868, with internal and published modifications).

Leiden Open Variation Database
Classification: Uncertain significance. Last evaluated: 2018-10-10. Review status: no assertion criteria provided. Collection method: curation. Allele origin: germline. Affected: yes. Not counted in ClinVar's aggregate classification.
Comment: Curators: Marc Tischkowitz, Arleen D. Auerbach. Submitter to LOVD: Yukihide Momozawa.

Literature cited by the submitters: PubMed 30287823 (cited by 4 submitters); PubMed 39427061 (cited by Quest Diagnostics Nichols Institute San Juan Capistrano).